The following is an entry in ClinVar:

NM_004606.5(TAF1):c.5558A>G (p.Asp1853Gly)

Gene: TAF1 (TATA-box binding protein associated factor 1; plus strand). Cytogenetic location: Xq13.1.
Variant type: single nucleotide variant.
Coding change: c.5558A>G on transcript NM_004606.5 (MANE Select); coding-DNA position 5558, A replaced by G.
Protein change: p.Asp1853Gly; replaces aspartic acid 1853 with glycine.
Molecular consequence: missense variant.
Genome position (GRCh38, 1-based): chrX:71,463,982, A>G. VCF-style: chrX-71463982-A-G. GRCh37 (hg19) VCF-style: chrX-70683832-A-G.
Other names: c.5564A>G, p.Asp1855Gly (NM_001286074.2); c.5495A>G, p.Asp1832Gly (NM_138923.4); short protein forms D1832G, D1853G, D1855G.
Identifiers: ClinVar variation 3376282 (VCV003376282.1).
Genomic context (GRCh38, chrX:71,463,982, plus strand): 5'-AGGAGGAGGAAGAGCAGCGCTCTGGGCCGAGCGTACTAAGCCAGGTCCACCTGTCAGAGG[A>G]CGAGGAGGACAGTGAGGATTTCCACTCCATTGCTGGGGACAGTGACTTGGACTCTGATGA-3'
Protein context (NP_004597.3, residues 1843-1863): SVLSQVHLSE[Asp1853Gly]EEDSEDFHSI

ClinVar aggregate classification (germline): Uncertain significance. Review status: criteria provided, multiple submitters, no conflicts (2 of 4 stars). 2 submissions from 2 submitters: Uncertain significance (2). Last evaluated 2023-08-02.

Conditions:
Intellectual developmental disorder, X-linked, syndromic 33. Also called: X-linked intellectual disability-global development delay-facial dysmorphism-sacral caudal remnant syndrome; Intellectual disability, X-linked, syndromic 33. Identifiers: Orphanet 480907, MedGen C4225418, MONDO:0010500, OMIM 300966.

gnomAD v4.1: 4 of 1,202,581 alleles (0.00033%); highest among the groups gnomAD compares: Non-Finnish European, 0.00045%; no homozygotes.

Submissions (2):

Pittsburgh Clinical Genomics Laboratory, University of Pittsburgh Medical Center
Classification: Uncertain significance for Intellectual developmental disorder, X-linked, syndromic 33. Last evaluated: 2023-08-02. Review status: criteria provided, single submitter. Criteria: ACMG Guidelines, 2015. Collection method: clinical testing. Allele origin: germline. Inheritance: X-linked recessive inheritance. Affected: yes.
Comment: This sequence variant is a single nucleotide substitution (A>G) at coding position 5618 of the coding sequence of the TAF1 gene that results in an aspartic acid to glycine amino acid change at residue 1873 of the TAF1 protein. The Asp1873 residue falls in the TAF's second kise domain (PMID: 31341187) which plays a critical role in regulating transcription. This variant has not been previously reported in an online database of clinically annotated variants (ClinVar) and has not been reported in individuals affected by a TAF1-related disorder in the published literature, to our knowledge. This variant is present in 1 of 162,946 alleles (0.006%) in the gnomAD control population datasets. Multiple bioinformatic tools predict that this aspartic acid to glycine amino acid change would be damaging, and the Asp1873 residue is strongly conserved across the vertebrate species examined. Studies examining the functiol consequence of this variant have not been published, to our knowledge. At this time, there is insufficient evidence to determine if this variant is pathogenic or benign. Therefore, we consider this a variant of uncertain significance. ACMG Criteria: PM2, PP3

University of Washington Department of Laboratory Medicine, University of Washington
Classification: Uncertain significance for Intellectual developmental disorder, X-linked, syndromic 33. Last evaluated: 2023-07-06. Review status: criteria provided, single submitter. Criteria: ACMG Guidelines, 2015. Collection method: clinical testing. Allele origin: maternal. Affected: yes.
Comment: The p.Asp1873Gly variant in the TAF1 gene has not been previously reported in association with disease. This variant has been identified in 1/162946 chromosomes by the Genome Aggregation Database but has not been identified in the hemizygous state. The TAF1 gene has fewer missense variants in the general population than expected. A low rate of missense variation may suggest that this gene is intolerant to missense variation. Using ACMG guidelines, this variant was classified as a variant of uncertain significance (ACMG evidence codes used: PM2_supporting, PP2).

Literature cited by the submitters: PubMed 31341187 (cited by Pittsburgh Clinical Genomics Laboratory, University of Pittsburgh Medical Center).